The following is an entry in ClinVar:

ClinVar aggregate classification (germline): Uncertain significance. Review status: criteria provided, multiple submitters, no conflicts (2 of 4 stars). 2 submissions from 2 submitters: Uncertain significance (2). Last evaluated 2025-02-24.

Conditions:
Autosomal recessive limb-girdle muscular dystrophy type 2J (LGMDR10). Also called: Limb-girdle muscular dystrophy, type 2J; MUSCULAR DYSTROPHY, LIMB-GIRDLE, AUTOSOMAL RECESSIVE 10. Identifiers: Orphanet 140922, MedGen C1837342, MONDO:0012127, OMIM 608807.
Dilated cardiomyopathy 1G (CMD1G). Identifiers: Orphanet 154, MedGen C1858763, MONDO:0011400, OMIM 604145.

Allele frequency attached by ClinVar (database versions not stated): ExAC 0.00001; gnomAD 0.00001; gnomAD exomes 0.00001; TOPMed 0.00001.
gnomAD v4.1: 3 of 1,613,038 alleles (0.00019%); highest among the groups gnomAD compares: African/African-American, 0.004%; no homozygotes.

Submissions (2):

GeneDx
Classification: Uncertain significance. Last evaluated: 2025-02-24. Review status: criteria provided, single submitter. Criteria: GeneDx Variant Classification Process June 2021. Collection method: clinical testing. Allele origin: germline. Affected: yes.
Comment: Not observed at significant frequency in large population cohorts (gnomAD); Missense variant in a gene in which most reported pathogenic variants are truncating/loss of function; Has not been previously published as pathogenic or benign to our knowledge

Labcorp Genetics (formerly Invitae), Labcorp
Classification: Uncertain significance for Dilated cardiomyopathy 1G; Autosomal recessive limb-girdle muscular dystrophy type 2J. Last evaluated: 2017-10-27. Review status: criteria provided, single submitter. Criteria: Invitae Variant Classification Sherloc (09022015). Collection method: clinical testing. Allele origin: germline.

NM_001267550.2(TTN):c.61645A>G (p.Ile20549Val)

Genes: TTN-AS1 (TTN antisense RNA 1; plus strand), TTN (titin; minus strand). Cytogenetic location: 2q31.2.
Variant type: single nucleotide variant.
Coding change: c.61645A>G on transcript NM_001267550.2 (MANE Select); coding-DNA position 61645, A replaced by G.
Protein change: p.Ile20549Val; replaces isoleucine 20549 with valine.
Molecular consequence: missense variant.
Genome position (GRCh38, 1-based): chr2:178,590,080, T>C on the plus strand (A>G on the coding strand, the complement: TTN is on the minus strand). VCF-style: chr2-178590080-T-C. GRCh37 (hg19) VCF-style: chr2-179454807-T-C.
Other names: c.61645A>G (NM_001267550.1); c.56722A>G, p.Ile18908Val (NM_001256850.1); c.34450A>G, p.Ile11484Val (NM_003319.4); c.53941A>G, p.Ile17981Val (NM_133378.4); c.34825A>G, p.Ile11609Val (NM_133432.3); c.35026A>G, p.Ile11676Val (NM_133437.4); short protein forms I20549V, I11676V, I17981V, I18908V, I11484V, I11609V.
Identifiers: ClinVar variation 535426 (VCV000535426.4), dbSNP rs750680415, ClinGen allele CA1992338.